The following is an entry in ClinVar:

ClinVar aggregate classification (germline): Pathogenic (1 of 4 stars; one submission).

Conditions:
CASK-related intellectual disability and microcephaly with pontine and cerebellar hypoplasia.

Submission:

Illumina Laboratory Services, Illumina
Classification: Pathogenic for CASK-related intellectual disability and microcephaly with pontine and cerebellar hypoplasia. Last evaluated: 2019-04-26. Review status: criteria provided, single submitter. Criteria: ICSLVariantClassificationCriteria RUGD 01 April 2020. Collection method: clinical testing. Allele origin: unknown.
Comment: The CASK c.1579C>T (p.Gln527Ter) variant is a stop-gained variant that is predicted to result in a truncation of the protein. A literature search was performed for the gene, cDNA change, and amino acid change. No publications were found based on this search. This variant is not found in the Genome Aggregation Database and is in a region of good sequencing coverage, so the variant is presumed to be rare. Based on the application of the ACMG criteria, the CASK p.Gln527Ter variant is classified as pathogenic for CASK-related intellectual disability and microcephaly with pontine and cerebellar hypoplasia.

NM_001367721.1(CASK):c.1579C>T (p.Gln527Ter)

Gene: CASK (calcium/calmodulin dependent serine protein kinase; minus strand). Cytogenetic location: Xp11.4.
Variant type: single nucleotide variant.
Coding change: c.1579C>T on transcript NM_001367721.1 (MANE Select); coding-DNA position 1579, C replaced by T.
Protein change: p.Gln527Ter; replaces glutamine 527 with a stop codon.
Molecular consequence: nonsense.
Genome position (GRCh38, 1-based): chrX:41,569,671, G>A on the plus strand (C>T on the coding strand, the complement: CASK is on the minus strand). VCF-style: chrX-41569671-G-A. GRCh37 (hg19) VCF-style: chrX-41428924-G-A.
Other names: c.1579C>T, p.Gln527Ter (NM_001126054.3, NM_003688.4); c.1561C>T, p.Gln521Ter (NM_001126055.3, NM_001410745.1); short protein forms Q521*, Q527*.
Identifiers: ClinVar variation 989350 (VCV000989350.4), dbSNP rs2065377688, ClinGen allele CA412995526.